The following is an entry in ClinVar:

ClinVar aggregate classification (germline): Uncertain significance (1 of 4 stars; one submission).

Conditions:
SEMA3B-related disorder. Also called: SEMA3B-related condition.

Submission:

PreventionGenetics, part of Exact Sciences
Classification: Uncertain significance for SEMA3B-related condition. Last evaluated: 2026-03-24. Review status: criteria provided, single submitter. Criteria: ACMG Guidelines, 2015. Collection method: clinical testing. Allele origin: germline.
Comment: The SEMA3B c.2008G>A variant is predicted to result in the amino acid substitution p.Ala670Thr. To our knowledge, this variant has not been reported in the literature. This variant is reported in 0.022% of alleles in individuals of South Asian descent in gnomAD. At this time, the clinical significance of this variant is uncertain due to the absence of conclusive functional and genetic evidence.

NM_001290060.2(SEMA3B):c.1993G>A (p.Ala665Thr)

Gene: SEMA3B (semaphorin 3B; plus strand). Cytogenetic location: 3p21.31.
Variant type: single nucleotide variant.
Coding change: c.1993G>A on transcript NM_001290060.2 (MANE Select); coding-DNA position 1993, G replaced by A.
Protein change: p.Ala665Thr; replaces alanine 665 with threonine.
Molecular consequence: missense variant. On other transcripts: non-coding transcript variant (1).
Genome position (GRCh38, 1-based): chr3:50,276,449, G>A. VCF-style: chr3-50276449-G-A. GRCh37 (hg19) VCF-style: chr3-50313880-G-A.
Other names: c.1990G>A, p.Ala664Thr (NM_001005914.3, NM_001435957.1, NM_001435958.1); c.2008G>A, p.Ala670Thr (NM_001290061.1); c.964G>A, p.Ala322Thr (NM_001290062.2, NM_001290063.2); c.1993G>A, p.Ala665Thr (NM_001435956.1, NM_004636.4); short protein forms A665T, A664T, A322T, A670T.
Identifiers: ClinVar variation 4981407 (VCV004981407.1).
Genomic context (GRCh38, chr3:50,276,449, plus strand): 5'-GCCGCCGTCGAGCAGGGCTTTACGCAACCGCTGCGTCGCCTGTCGCTGCACGTGTTGAGT[G>A]CTACGCAGGCCGAACGACTGGCGCGGGCCGAGGAGGCTGCGCCCGCCGCGCCGCCGGGCC-3'
Protein context (NP_001276989.1, residues 655-675): LRRLSLHVLS[Ala665Thr]TQAERLARAE